The following is an entry in ClinVar:

ClinVar aggregate classification (germline): Likely pathogenic (0 of 4 stars; one submission).

Conditions:
FOXC2-related disorder. Also called: FOXC2-related condition.

Submission:

PreventionGenetics, part of Exact Sciences
Classification: Likely pathogenic for FOXC2-related condition. Last evaluated: 2023-11-20. Review status: no assertion criteria provided. Collection method: clinical testing. Allele origin: germline.
Comment: The FOXC2 c.984delC variant is predicted to result in a frameshift and premature protein termination (p.Tyr329Thrfs*8). To our knowledge, this variant has not been reported in the literature or in a large population database, indicating this variant is rare. Frameshift variants in FOXC2 are expected to be pathogenic. This variant is interpreted as likely pathogenic.

NM_005251.3(FOXC2):c.984del (p.Tyr329fs)

Gene: FOXC2 (forkhead box C2; plus strand). Cytogenetic location: 16q24.1.
Variant type: Deletion.
Coding change: c.984del on transcript NM_005251.3 (MANE Select); coding-DNA position 984, one base deleted (C; older notation c.984delC).
Protein change: p.Tyr329fs; shifts the reading frame from tyrosine 329.
Molecular consequence: frameshift variant.
Genome position (GRCh38, 1-based): chr16:86,568,319, C deleted. VCF-style (leftmost placement, unchanged base first): chr16-86568318-GC-G. GRCh37 (hg19) VCF-style: chr16-86601924-GC-G.
Other names: short protein forms Y329fs.
Identifiers: ClinVar variation 3029523 (VCV003029523.2), dbSNP rs2507945808, ClinGen allele CA2740093442.